The following is an entry in ClinVar:

ClinVar aggregate classification (germline): Uncertain significance (1 of 4 stars; one submission).

Submission:

GeneDx
Classification: Uncertain significance. Last evaluated: 2025-03-07. Review status: criteria provided, single submitter. Criteria: GeneDx Variant Classification Process June 2021. Collection method: clinical testing. Allele origin: germline. Affected: yes.
Comment: Not observed at significant frequency in large population cohorts (gnomAD); In silico analysis supports that this missense variant has a deleterious effect on protein structure/function; Has not been previously published as pathogenic or benign to our knowledge

NM_014423.4(AFF4):c.2105T>C (p.Leu702Pro)

Gene: AFF4 (ALF transcription elongation factor 4; minus strand). Cytogenetic location: 5q31.1.
Variant type: single nucleotide variant.
Coding change: c.2105T>C on transcript NM_014423.4 (MANE Select); coding-DNA position 2105, T replaced by C.
Protein change: p.Leu702Pro; replaces leucine 702 with proline.
Molecular consequence: missense variant.
Genome position (GRCh38, 1-based): chr5:132,896,525, A>G on the plus strand (T>C on the coding strand, the complement: AFF4 is on the minus strand). VCF-style: chr5-132896525-A-G. GRCh37 (hg19) VCF-style: chr5-132232217-A-G.
Other names: short protein forms L702P.
Identifiers: ClinVar variation 4082782 (VCV004082782.1).
Genomic context (GRCh38, chr5:132,896,525, plus strand): 5'-AGATTCAGGTCAATCTTCACAATAAGTGGGTACCTGTCATCAGGCTCACTGAGGGGTGAA[A>G]GAAGTTCCTTCTCTTCCATAGGAGAGAACATTCGTTGCCGAAAAAAGCTATCTTCTTCCT-3'
Protein context (NP_055238.1, residues 692-712): MFSPMEEKEL[Leu702Pro]SPLSEPDDRY